The following is an entry in ClinVar:

NM_177987.3(TUBB8):c.1139G>A (p.Arg380His)

Gene: TUBB8 (tubulin beta 8 class VIII; minus strand). Cytogenetic location: 10p15.3.
Variant type: single nucleotide variant.
Coding change: c.1139G>A on transcript NM_177987.3 (MANE Select); coding-DNA position 1139, G replaced by A.
Protein change: p.Arg380His; replaces arginine 380 with histidine.
Molecular consequence: missense variant.
Genome position (GRCh38, 1-based): chr10:47,253, C>T on the plus strand (G>A on the coding strand, the complement: TUBB8 is on the minus strand). VCF-style: chr10-47253-C-T. GRCh37 (hg19) VCF-style: chr10-93193-C-T.
Other names: short protein forms R380H.
Identifiers: ClinVar variation 977679 (VCV000977679.4), dbSNP rs1554738022, ClinGen allele CA375815712.

ClinVar aggregate classification (germline): Uncertain significance. Review status: criteria provided, multiple submitters, no conflicts (2 of 4 stars). 3 submissions from 3 submitters: Uncertain significance (2). 1 of the submissions does not count toward it. Last evaluated 2022-11-04.

Conditions:
Oocyte maturation defect 2 (OZEMA2). Also called: OOCYTE/ZYGOTE/EMBRYO MATURATION ARREST 2. Identifiers: MedGen C4225210, MONDO:0021573, OMIM 616780.

Submissions (3):

Laboratory for Molecular Medicine, Mass General Brigham Personalized Medicine
Classification: Uncertain significance. Last evaluated: 2022-11-04. Review status: criteria provided, single submitter. Criteria: ACMG Guidelines, 2015. Collection method: clinical testing. Allele origin: germline.
Comment: The p.Arg380His variant in TUBB8 has been reported in 6 individuals with oocyte maturation defects (Zhao 2020 PMID: 32524331, Zheng 2021 PMID: 33970371, Yang 2021 PMID:33009822). It was absent from large population studies. This variant has also been reported in ClinVar (Variation ID 977679). Computational prediction tools and conservation analyses do not provide strong support for or against an impact to the protein. In summary, while there is suspicion for a pathogenic role, the clinical significance of this variant is uncertain. ACMG/AMP Criteria applied: PS4, PM2_Supporting.

Juno Genomics, Hangzhou Juno Genomics, Inc
Classification: Uncertain significance for Oocyte maturation defect 2. Review status: criteria provided, single submitter. Criteria: ACMG Guidelines, 2015. Collection method: clinical testing. Allele origin: germline. Affected: yes.
Comment: Absent from controls (or at extremely low frequency if recessive) in Genome Aggregation Database, Exome Sequencing Project, 1000 Genomes Project, or Exome Aggregation Consortium.;Missense variant in a gene that has a low rate of benign missense variation and where missense variants are a common mechanism of disease.;The prevalence of the variant in affected individuals is significantly increased compared to the prevalence in controls.;Patient's phenotype or family history is highly specific for a disease with a single genetic etiology.

Center for Reproductive Medicine, Shandong Provincial Hospital Affiliated to Shandong University
Classification: Likely pathogenic for Oocyte maturation defect 2. Last evaluated: 2020-08-31. Review status: no assertion criteria provided. Collection method: case-control. Allele origin: unknown. Affected: yes. Not counted in ClinVar's aggregate classification.

Literature cited by the submitters: PubMed 32524331 (cited by Laboratory for Molecular Medicine, Mass General Brigham Personalized Medicine); PubMed 33970371 (cited by Laboratory for Molecular Medicine, Mass General Brigham Personalized Medicine); PubMed 33009822 (cited by Laboratory for Molecular Medicine, Mass General Brigham Personalized Medicine).